The following is an entry in ClinVar:

NM_020975.6(RET):c.808C>A (p.Pro270Thr)

Gene: RET (ret proto-oncogene; plus strand). Cytogenetic location: 10q11.21.
Variant type: single nucleotide variant.
Coding change: c.808C>A on transcript NM_020975.6 (MANE Select); coding-DNA position 808, C replaced by A.
Protein change: p.Pro270Thr; replaces proline 270 with threonine.
Molecular consequence: missense variant. On other transcripts: intron variant (22).
Genome position (GRCh38, 1-based): chr10:43,105,134, C>A. VCF-style: chr10-43105134-C-A. GRCh37 (hg19) VCF-style: chr10-43600582-C-A.
Other names: c.808C>A, p.Pro270Thr (NM_000323.2, NM_001406743.1, NM_001406744.1 and 8 more transcripts); c.46C>A, p.Pro16Thr (NM_001355216.2); c.679C>A, p.Pro227Thr (NM_001406761.1, NM_001406762.1, NM_001406764.1 and 2 more transcripts); c.520C>A, p.Pro174Thr (NM_001406766.1, NM_001406767.1, NM_001406770.1); c.625+2505C>A (NM_001406773.1, NM_001406771.1, NM_001406782.1 and 5 more transcripts); c.496+2505C>A (NM_001406786.1, NM_001406783.1); c.338-3897C>A (NM_001406778.1, NM_001406775.1, NM_001406776.1 and 1 more transcripts); c.337+4412C>A (NM_001406790.1, NM_001406788.1, NM_001406789.1 and 1 more transcripts); and 2 more; short protein forms P16T, P174T, P227T, P270T.
Identifiers: ClinVar variation 3074392 (VCV003074392.1), dbSNP rs2132707909, ClinGen allele CA376545158.

ClinVar aggregate classification (germline): Uncertain significance (1 of 4 stars; one submission).

Conditions:
Multiple endocrine neoplasia, type 2 (MEN2). Identifiers: Orphanet 653, MedGen C4048306, MONDO:0019003. Disease mechanism: gain of function.

Submission:

All of Us Research Program, National Institutes of Health
Classification: Uncertain significance for Multiple endocrine neoplasia, type 2. Last evaluated: 2023-11-02. Review status: criteria provided, single submitter. Criteria: ACMG Guidelines, 2015. Collection method: clinical testing. Allele origin: germline. Inheritance: Autosomal dominant inheritance. Observed: 1 variant allele, 1 heterozygote.
Comment: This missense variant replaces proline with threonine at codon 270 of the RET protein. Computational prediction is inconclusive regarding the impact of this variant on protein structure and function (internally defined REVEL score threshold 0.5 < inconclusive < 0.7, PMID: 27666373). To our knowledge, functional studies have not been reported for this variant. This variant has not been reported in individuals affected with RET-related disorders in the literature. This variant has not been identified in the general population by the Genome Aggregation Database (gnomAD). The available evidence is insufficient to determine the role of this variant in disease conclusively. Therefore, this variant is classified as a Variant of Uncertain Significance.

This study involves interpretation of variants in research participants for the purpose of population health screening. Participant phenotype was not available at the time of variant classification. Additional details can be found in publication PMID: 35346344, PMCID: PMC8962531